The following is an entry in ClinVar:

ClinVar aggregate classification (germline): Uncertain significance. Review status: criteria provided, multiple submitters, no conflicts (2 of 4 stars). 6 submissions from 6 submitters: Uncertain significance (5). 1 of the submissions does not count toward it. Last evaluated 2025-04-17.

Conditions:
Inborn genetic diseases. Identifiers: MedGen C0950123, MeSH D030342.
Polycystic kidney disease 4 (PKD4). Also called: POLYCYSTIC KIDNEY DISEASE 4 WITH OR WITHOUT POLYCYSTIC LIVER DISEASE; PKD3; POLYCYSTIC KIDNEY AND HEPATIC DISEASE 1; POLYCYSTIC KIDNEY DISEASE, INFANTILE, TYPE I; Autosomal Recessive Polycystic Kidney Disease – PKHD1. Identifiers: MedGen C4540575, MONDO:0033004, OMIM 263200.
Autosomal recessive polycystic kidney disease (ARPKD). Also called: AR polycystic kidney disease. Identifiers: Orphanet 731, Orphanet 8378, MedGen C0085548, MeSH D017044, MONDO:0009889.

Allele frequency attached by ClinVar (database versions not stated): gnomAD 0.00001 and 0.00002; TOPMed 0.00003.
gnomAD v4.1: 4 of 1,613,800 alleles (0.00025%); highest among the groups gnomAD compares: Admixed American, 0.0067%; no homozygotes.

Submissions (6):

Ambry Genetics
Classification: Uncertain significance for Inborn genetic diseases. Last evaluated: 2025-04-17. Review status: criteria provided, single submitter. Criteria: Ambry Variant Classification Scheme 2023. Collection method: clinical testing. Allele origin: germline.

Fulgent Genetics
Classification: Uncertain significance for Polycystic kidney disease 4. Last evaluated: 2022-05-23. Review status: criteria provided, single submitter. Criteria: ACMG Guidelines, 2015. Collection method: clinical testing. Allele origin: unknown.

Labcorp Genetics (formerly Invitae), Labcorp
Classification: Uncertain significance for Autosomal recessive polycystic kidney disease. Last evaluated: 2021-10-27. Review status: criteria provided, single submitter. Criteria: Invitae Variant Classification Sherloc (09022015). Collection method: clinical testing. Allele origin: germline.
Comment: In summary, the available evidence is currently insufficient to determine the role of this variant in disease. Therefore, it has been classified as a Variant of Uncertain Significance. Advanced modeling of protein sequence and biophysical properties (such as structural, functional, and spatial information, amino acid conservation, physicochemical variation, residue mobility, and thermodynamic stability) performed at Invitae indicates that this missense variant is not expected to disrupt PKHD1 protein function. ClinVar contains an entry for this variant (Variation ID: 596715). This variant has not been reported in the literature in individuals affected with PKHD1-related conditions. This variant is not present in population databases (gnomAD no frequency). This sequence change replaces glutamic acid, which is acidic and polar, with glutamine, which is neutral and polar, at codon 1025 of the PKHD1 protein (p.Glu1025Gln).

GeneDx
Classification: Uncertain significance. Last evaluated: 2021-07-26. Review status: criteria provided, single submitter. Criteria: GeneDx Variant Classification Process June 2021. Collection method: clinical testing. Allele origin: germline. Affected: yes.
Comment: Not observed at significant frequency in large population cohorts (Lek et al., 2016); In silico analysis supports that this missense variant does not alter protein structure/function; Has not been previously published as pathogenic or benign to our knowledge

Eurofins Ntd Llc (ga)
Classification: Uncertain significance. Last evaluated: 2018-03-27. Review status: criteria provided, single submitter. Criteria: EGL ClinVar v180209 classification definitions. Collection method: clinical testing. Allele origin: germline.

Natera, Inc.
Classification: Uncertain significance for Autosomal recessive polycystic kidney disease. Last evaluated: 2019-03-15. Review status: no assertion criteria provided. Collection method: clinical testing. Allele origin: germline. Not counted in ClinVar's aggregate classification.

NM_138694.4(PKHD1):c.3073G>C (p.Glu1025Gln)

Gene: PKHD1 (PKHD1 ciliary IPT domain containing fibrocystin/polyductin; minus strand). Cytogenetic location: 6p12.2.
Variant type: single nucleotide variant.
Coding change: c.3073G>C on transcript NM_138694.4 (MANE Select); coding-DNA position 3073, G replaced by C.
Protein change: p.Glu1025Gln; replaces glutamic acid 1025 with glutamine.
Molecular consequence: missense variant.
Genome position (GRCh38, 1-based): chr6:52,042,883, C>G on the plus strand (G>C on the coding strand, the complement: PKHD1 is on the minus strand). VCF-style: chr6-52042883-C-G. GRCh37 (hg19) VCF-style: chr6-51907681-C-G.
Other names: c.3073G>C, p.Glu1025Gln (NM_170724.3); short protein forms E1025Q.
Identifiers: ClinVar variation 596715 (VCV000596715.14), dbSNP rs899785229, ClinGen allele CA138961627.
Genomic context (GRCh38, chr6:52,042,883, plus strand): 5'-AGGGTCAGACATACTGTGAGACCCTCCCCAGATTACCAATATCCGCAGCTCTGGAAGGCT[C>G]CACCATATCCAGTCTAGGTTTCACATTTAGGAAGAGGTCTTCTCCAGTGGCACTGATGGC-3'
Protein context (NP_619639.3, residues 1015-1035): LNVKPRLDMV[Glu1025Gln]PSRAADIGGL